The following is an entry in ClinVar:

ClinVar aggregate classification (germline): Likely pathogenic (1 of 4 stars; one submission).

Conditions:
Very long chain acyl-CoA dehydrogenase deficiency (ACADVLD). Also called: VLCAD Deficiency; Very Long-Chain Acyl-Coenzyme A Dehydrogenase Deficiency. Identifiers: Orphanet 26793, MedGen C3887523, MONDO:0008723, OMIM 201475.

Submission:

Labcorp Genetics (formerly Invitae), Labcorp
Classification: Likely pathogenic for Very long chain acyl-CoA dehydrogenase deficiency. Last evaluated: 2022-11-29. Review status: criteria provided, single submitter. Criteria: Invitae Variant Classification Sherloc (09022015). Collection method: clinical testing. Allele origin: germline.
Comment: In summary, the currently available evidence indicates that the variant is pathogenic, but additional data are needed to prove that conclusively. Therefore, this variant has been classified as Likely Pathogenic. This variant disrupts the p.Asn122 amino acid residue in ACADVL. Other variant(s) that disrupt this residue have been determined to be pathogenic (PMID: 20060901, 27943070). This suggests that this residue is clinically significant, and that variants that disrupt this residue are likely to be disease-causing. Advanced modeling of protein sequence and biophysical properties (such as structural, functional, and spatial information, amino acid conservation, physicochemical variation, residue mobility, and thermodynamic stability) performed at Invitae indicates that this missense variant is expected to disrupt ACADVL protein function. This variant has not been reported in the literature in individuals affected with ACADVL-related conditions. This variant is not present in population databases (gnomAD no frequency). This sequence change replaces asparagine, which is neutral and polar, with lysine, which is basic and polar, at codon 122 of the ACADVL protein (p.Asn122Lys).

Literature cited by the submitters: PubMed 20060901; PubMed 27943070.

NM_000018.4(ACADVL):c.366T>G (p.Asn122Lys)

Gene: ACADVL (acyl-CoA dehydrogenase very long chain; plus strand). Cytogenetic location: 17p13.1.
Variant type: single nucleotide variant.
Coding change: c.366T>G on transcript NM_000018.4 (MANE Select); coding-DNA position 366, T replaced by G.
Protein change: p.Asn122Lys; replaces asparagine 122 with lysine.
Molecular consequence: missense variant.
Genome position (GRCh38, 1-based): chr17:7,220,947, T>G. VCF-style: chr17-7220947-T-G. GRCh37 (hg19) VCF-style: chr17-7124266-T-G.
Other names: c.300T>G, p.Asn100Lys (NM_001033859.3); c.435T>G, p.Asn145Lys (NM_001270447.2); c.138T>G, p.Asn46Lys (NM_001270448.2); short protein forms N122K, N145K, N100K, N46K.
Identifiers: ClinVar variation 2789399 (VCV002789399.3), dbSNP rs2508262596, ClinGen allele CA397722751.